The following is an entry in ClinVar:

NM_019892.6(INPP5E):c.1198C>T (p.Gln400Ter)

Gene: INPP5E (inositol polyphosphate-5-phosphatase E; minus strand). Cytogenetic location: 9q34.3.
Variant type: single nucleotide variant.
Coding change: c.1198C>T on transcript NM_019892.6 (MANE Select); coding-DNA position 1198, C replaced by T.
Protein change: p.Gln400Ter; replaces glutamine 400 with a stop codon.
Molecular consequence: nonsense.
Genome position (GRCh38, 1-based): chr9:136,433,037, G>A on the plus strand (C>T on the coding strand, the complement: INPP5E is on the minus strand). VCF-style: chr9-136433037-G-A. GRCh37 (hg19) VCF-style: chr9-139327489-G-A.
Other names: c.1198C>T (NM_019892.5); c.1198C>T, p.Gln400Ter (NM_001318502.2); short protein forms Q400*.
Identifiers: ClinVar variation 4905688 (VCV004905688.2).

ClinVar aggregate classification (germline): Likely pathogenic. Review status: criteria provided, multiple submitters, no conflicts (2 of 4 stars). 2 submissions from 2 submitters: Likely pathogenic (2). Last evaluated 2026-09-23.

Conditions:
INPP5E-related disorder. Also called: INPP5E-related condition.

Submissions (2):

PreventionGenetics, part of Exact Sciences
Classification: Likely pathogenic for INPP5E-related condition. Last evaluated: 2026-09-23. Review status: criteria provided, single submitter. Criteria: ACMG Guidelines, 2015. Collection method: clinical testing. Allele origin: germline.
Comment: The INPP5E c.1198C>T variant is predicted to result in premature protein termination (p.Gln400*). To our knowledge, this variant has not been reported in the literature. This variant is reported in 0.00089% of alleles in individuals of European (Non-Finnish) descent in gnomAD. Nonsense variants in INPP5E are expected to be pathogenic. This variant is interpreted as likely pathogenic.

Blueprint Genetics
Classification: Likely pathogenic for INPP5E-related disorders. Last evaluated: 2023-04-28. Review status: criteria provided, single submitter. Criteria: ACMG Guidelines, 2015. Collection method: clinical testing. Allele origin: germline. Affected: yes. Observed: 2 variant alleles.